The following is an entry in ClinVar:

NM_001298.3(CNGA3):c.458C>T (p.Thr153Met)

Gene: CNGA3 (cyclic nucleotide gated channel subunit alpha 3; plus strand). Cytogenetic location: 2q11.2.
Variant type: single nucleotide variant.
Coding change: c.458C>T on transcript NM_001298.3 (MANE Select); coding-DNA position 458, C replaced by T.
Protein change: p.Thr153Met; replaces threonine 153 with methionine.
Molecular consequence: missense variant.
Genome position (GRCh38, 1-based): chr2:98,389,666, C>T. VCF-style: chr2-98389666-C-T. GRCh37 (hg19) VCF-style: chr2-99006129-C-T.
Other names: c.404C>T, p.Thr135Met (NM_001079878.2); short protein forms T153M, T135M.
Identifiers: ClinVar variation 285271 (VCV000285271.51), dbSNP rs34314205, ClinGen allele CA1793764.

ClinVar aggregate classification (germline): Benign/Likely benign. Review status: criteria provided, multiple submitters, no conflicts (2 of 4 stars). 6 submissions from 6 submitters: Benign (4); Likely benign (2). Last evaluated 2026-09-01.

Conditions:
Achromatopsia 2 (ACHM2). Also called: ROD MONOCHROMACY 2; ROD MONOCHROMATISM 2; COLORBLINDNESS, TOTAL. Identifiers: Orphanet 49382, MedGen C1857618, MONDO:0009003, OMIM 216900.

Allele frequency attached by ClinVar (database versions not stated): 1000 Genomes Project 0.00519; 1000 Genomes Project 30x 0.00531; TOPMed 0.00773; gnomAD 0.00818 and 0.00836; ExAC 0.00856; ESP Exome Variant Server 0.00861.

Submissions (6):

CeGaT Center for Human Genetics Tuebingen
Classification: Benign. Last evaluated: 2026-09-01. Review status: criteria provided, single submitter. Criteria: CeGaT Center For Human Genetics Tuebingen Variant Classification Criteria Version 2. Collection method: clinical testing. Allele origin: germline. Affected: yes. Observed: 6 variant alleles.
Comment: CNGA3: BS1, BS2

Labcorp Genetics (formerly Invitae), Labcorp
Classification: Benign. Last evaluated: 2026-01-26. Review status: criteria provided, single submitter. Criteria: Invitae Variant Classification Sherloc (09022015). Collection method: clinical testing. Allele origin: germline.

GeneDx
Classification: Likely benign. Last evaluated: 2021-01-06. Review status: criteria provided, single submitter. Criteria: GeneDx Variant Classification Process June 2021. Collection method: clinical testing. Allele origin: germline. Affected: yes.
Comment: See Variant Classification Assertion Criteria.

Illumina Laboratory Services, Illumina
Classification: Benign for Achromatopsia 2. Last evaluated: 2017-04-27. Review status: criteria provided, single submitter. Criteria: ICSL Variant Classification Criteria 13 December 2019. Collection method: clinical testing. Allele origin: germline.
Comment: This variant was observed as part of a predisposition screen in an ostensibly healthy population. A literature search was performed for the gene, cDNA change, and amino acid change (where applicable). Publications were found based on this search. The evidence from the literature, in combination with allele frequency data from public databases where available, was sufficient to rule this variant out of causing disease. Therefore, this variant is classified as benign.

Eurofins Ntd Llc (ga)
Classification: Benign. Last evaluated: 2016-01-27. Review status: criteria provided, single submitter. Criteria: EGL Classification Definitions 2015. Collection method: clinical testing. Allele origin: germline. Observed: 1 variant allele, 1 heterozygote.

Breakthrough Genomics
Classification: Likely benign. Review status: criteria provided, single submitter. Criteria: ACMG Guidelines, 2015. Collection method: not provided. Allele origin: germline. Inheritance: Autosomal recessive inheritance. Affected: yes.

Literature cited by the submitters: PubMed 9662398 (cited by Illumina Laboratory Services, Illumina and Eurofins Ntd Llc (ga)); PubMed 15712225 (cited by Illumina Laboratory Services, Illumina); PubMed 14715947 (cited by Illumina Laboratory Services, Illumina and Eurofins Ntd Llc (ga)); PubMed 26106334 (cited by Illumina Laboratory Services, Illumina and Eurofins Ntd Llc (ga)).